The following is an entry in ClinVar:

ClinVar aggregate classification (germline): Uncertain significance. Review status: criteria provided, multiple submitters, no conflicts (2 of 4 stars). 3 submissions from 3 submitters: Uncertain significance (3). Last evaluated 2025-04-22.

Conditions:
Birt-Hogg-Dube syndrome. Also called: Birt Hogg Dubé syndrome. Identifiers: Orphanet 122, MedGen C0346010, MONDO:0800444.
Hereditary cancer-predisposing syndrome. Also called: Neoplastic Syndromes, Hereditary; Hereditary Cancer Syndrome; Hereditary neoplastic syndrome; Tumor predisposition. Identifiers: Orphanet 140162, MedGen C0027672, MeSH D009386, MONDO:0015356.

Submissions (3):

GeneDx
Classification: Uncertain significance. Last evaluated: 2025-04-22. Review status: criteria provided, single submitter. Criteria: GeneDx Variant Classification Process June 2021. Collection method: clinical testing. Allele origin: germline. Affected: yes.
Comment: Not observed at significant frequency in large population cohorts (gnomAD); In silico analysis indicates that this missense variant does not alter protein structure/function; Has not been previously published as pathogenic or benign to our knowledge

Labcorp Genetics (formerly Invitae), Labcorp
Classification: Uncertain significance for Birt-Hogg-Dube syndrome. Last evaluated: 2024-03-04. Review status: criteria provided, single submitter. Criteria: Invitae Variant Classification Sherloc (09022015). Collection method: clinical testing. Allele origin: germline.
Comment: This sequence change replaces isoleucine, which is neutral and non-polar, with valine, which is neutral and non-polar, at codon 173 of the FLCN protein (p.Ile173Val). This variant is not present in population databases (gnomAD no frequency). This variant has not been reported in the literature in individuals affected with FLCN-related conditions. ClinVar contains an entry for this variant (Variation ID: 825509). Advanced modeling of protein sequence and biophysical properties (such as structural, functional, and spatial information, amino acid conservation, physicochemical variation, residue mobility, and thermodynamic stability) performed at Invitae indicates that this missense variant is not expected to disrupt FLCN protein function with a negative predictive value of 80%. In summary, the available evidence is currently insufficient to determine the role of this variant in disease. Therefore, it has been classified as a Variant of Uncertain Significance.

Ambry Genetics
Classification: Uncertain significance for Hereditary cancer-predisposing syndrome. Last evaluated: 2023-12-21. Review status: criteria provided, single submitter. Criteria: Ambry Variant Classification Scheme 2023. Collection method: clinical testing. Allele origin: germline.
Comment: The p.I173V variant (also known as c.517A>G), located in coding exon 3 of the FLCN gene, results from an A to G substitution at nucleotide position 517. The isoleucine at codon 173 is replaced by valine, an amino acid with highly similar properties. This amino acid position is not well conserved in available vertebrate species. In addition, this alteration is predicted to be tolerated by in silico analysis. Since supporting evidence is limited at this time, the clinical significance of this alteration remains unclear.

NM_144997.7(FLCN):c.517A>G (p.Ile173Val)

Gene: FLCN (folliculin; minus strand). Cytogenetic location: 17p11.2.
Variant type: single nucleotide variant.
Coding change: c.517A>G on transcript NM_144997.7 (MANE Select); coding-DNA position 517, A replaced by G.
Protein change: p.Ile173Val; replaces isoleucine 173 with valine.
Molecular consequence: missense variant.
Genome position (GRCh38, 1-based): chr17:17,224,023, T>C on the plus strand (A>G on the coding strand, the complement: FLCN is on the minus strand). VCF-style: chr17-17224023-T-C. GRCh37 (hg19) VCF-style: chr17-17127337-T-C.
Other names: c.571A>G, p.Ile191Val (NM_001353229.2); c.517A>G, p.Ile173Val (NM_001353230.2, NM_001353231.2, NM_144606.7); short protein forms I191V, I173V.
Identifiers: ClinVar variation 825509 (VCV000825509.10), dbSNP rs1597606885, ClinGen allele CA398534380.